The following is an entry in ClinVar:

NM_005751.5(AKAP9):c.10932T>G (p.Ile3644Met)

Gene: AKAP9 (A-kinase anchoring protein 9; plus strand). Cytogenetic location: 7q21.2.
Variant type: single nucleotide variant.
Coding change: c.10932T>G on transcript NM_005751.5 (MANE Select); coding-DNA position 10932, T replaced by G.
Protein change: p.Ile3644Met; replaces isoleucine 3644 with methionine.
Molecular consequence: missense variant.
Genome position (GRCh38, 1-based): chr7:92,100,891, T>G. VCF-style: chr7-92100891-T-G. GRCh37 (hg19) VCF-style: chr7-91730205-T-G.
Other names: c.5577T>G, p.Ile1859Met (NM_001379277.1); c.10908T>G, p.Ile3636Met (NM_147185.3); short protein forms I1859M, I3636M, I3644M.
Identifiers: ClinVar variation 3702033 (VCV003702033.2).

ClinVar aggregate classification (germline): Uncertain significance (1 of 4 stars; one submission).

Conditions:
Long QT syndrome (LQTS). Identifiers: MedGen C0023976, MeSH D008133, MONDO:0002442. Disease mechanism: loss of function. Inheritance: Various modes of inheritance.

Submission:

Labcorp Genetics (formerly Invitae), Labcorp
Classification: Uncertain significance for Long QT syndrome. Last evaluated: 2024-06-19. Review status: criteria provided, single submitter. Criteria: Invitae Variant Classification Sherloc (09022015). Collection method: clinical testing. Allele origin: germline.
Comment: This sequence change replaces isoleucine, which is neutral and non-polar, with methionine, which is neutral and non-polar, at codon 3644 of the AKAP9 protein (p.Ile3644Met). This variant is not present in population databases (gnomAD no frequency). This variant has not been reported in the literature in individuals affected with AKAP9-related conditions. An algorithm developed to predict the effect of missense changes on protein structure and function (PolyPhen-2) suggests that this variant is likely to be disruptive. In summary, the available evidence is currently insufficient to determine the role of this variant in disease. Therefore, it has been classified as a Variant of Uncertain Significance.